The following is an entry in ClinVar:

NM_001376.5(DYNC1H1):c.4185+25A>C

Gene: DYNC1H1 (dynein cytoplasmic 1 heavy chain 1; plus strand). Cytogenetic location: 14q32.31.
Variant type: single nucleotide variant.
Coding change: c.4185+25A>C on transcript NM_001376.5 (MANE Select); 25 bases into the intron after coding-DNA position 4185, A replaced by C.
Molecular consequence: intron variant.
Genome position (GRCh38, 1-based): chr14:102,001,089, A>C. VCF-style: chr14-102001089-A-C. GRCh37 (hg19) VCF-style: chr14-102467426-A-C.
Identifiers: ClinVar variation 3048840 (VCV003048840.2), dbSNP rs376448084, ClinGen allele CA7352188.

ClinVar aggregate classification (germline): Likely benign (0 of 4 stars; one submission).

Conditions:
DYNC1H1-related disorder. Also called: DYNC1H1-related condition; DYNC1H1-related disorders. Identifiers: MedGen CN381529.

Allele frequency attached by ClinVar (database versions not stated): ExAC 0.00028; TOPMed 0.00028; gnomAD 0.00032; gnomAD exomes 0.00037; ESP Exome Variant Server 0.00038.
gnomAD v4.1: 591 of 1,613,860 alleles (0.037%); highest among the groups gnomAD compares: Non-Finnish European, 0.046%; no homozygotes.

Submission:

PreventionGenetics, part of Exact Sciences
Classification: Likely benign for DYNC1H1-related condition. Last evaluated: 2019-11-25. Review status: no assertion criteria provided. Collection method: clinical testing. Allele origin: germline.
Comment: This variant is classified as likely benign based on ACMG/AMP sequence variant interpretation guidelines (Richards et al. 2015 PMID: 25741868, with internal and published modifications).